The following is an entry in ClinVar:

NM_003060.4(SLC22A5):c.707_708delinsTT (p.Cys236Phe)

Gene: SLC22A5 (solute carrier family 22 member 5; plus strand). Cytogenetic location: 5q31.1.
Variant type: Indel.
Coding change: c.707_708delinsTT on transcript NM_003060.4 (MANE Select); coding-DNA positions 707 to 708, GC replaced by TT.
Protein change: p.Cys236Phe; replaces cysteine 236 with phenylalanine.
Molecular consequence: missense variant.
Genome position (GRCh38, 1-based): chr5:132,385,382-132,385,383, GC replaced by TT. VCF-style: chr5-132385382-GC-TT. GRCh37 (hg19) VCF-style: chr5-131721074-GC-TT.
Other names: c.779_780delinsTT, p.Cys260Phe (NM_001308122.2); short protein forms C236F, C260F.
Identifiers: ClinVar variation 1051490 (VCV001051490.7), dbSNP rs2126783727, ClinGen allele CA2499217554.

ClinVar aggregate classification (germline): Uncertain significance (1 of 4 stars; one submission).

Conditions:
Renal carnitine transport defect (CDSP). Also called: Systemic primary carnitine deficiency; Systemic primary carnitine deficiency disease; Primary carnitine deficiency; Carnitine transporter deficiency; Carnitine Deficiency, Systemic; CARNITINE DEFICIENCY, SYSTEMIC, DUE TO DEFECT IN RENAL REABSORPTION OF CARNITINE. Identifiers: Orphanet 158, MedGen C0342788, MONDO:0008919, OMIM 212140.

Submission:

Labcorp Genetics (formerly Invitae), Labcorp
Classification: Uncertain significance for Renal carnitine transport defect. Last evaluated: 2020-07-20. Review status: criteria provided, single submitter. Criteria: Invitae Variant Classification Sherloc (09022015). Collection method: clinical testing. Allele origin: germline.
Comment: In summary, the available evidence is currently insufficient to determine the role of this variant in disease. Therefore, it has been classified as a Variant of Uncertain Significance. Algorithms developed to predict the effect of missense changes on protein structure and function are either unavailable or do not agree on the potential impact of this missense change (SIFT: "Not Available"; PolyPhen-2: "Benign"; Align-GVGD: "Not Available"). This variant has not been reported in the literature in individuals with SLC22A5-related conditions. This variant is not present in population databases (ExAC no frequency). This sequence change replaces cysteine with phenylalanine at codon 236 of the SLC22A5 protein (p.Cys236Phe). The cysteine residue is moderately conserved and there is a large physicochemical difference between cysteine and phenylalanine.